The following is an entry in ClinVar:

ClinVar aggregate classification (germline): Pathogenic. Review status: reviewed by expert panel (3 of 4 stars). 3 submissions from 3 submitters: Pathogenic (1). 2 of the submissions do not count toward it. Last evaluated 2017-12-15.

Conditions:
Hereditary cancer-predisposing syndrome. Also called: Hereditary Cancer Syndrome; Hereditary neoplastic syndrome; Neoplastic Syndromes, Hereditary; Tumor predisposition. Identifiers: Orphanet 140162, MedGen C0027672, MeSH D009386, MONDO:0015356.
Breast-ovarian cancer, familial, susceptibility to, 1 (BROVCA1). Also called: BRCA1 Hereditary Breast and Ovarian Cancer; OVARIAN CANCER, SUSCEPTIBILITY TO. Identifiers: Orphanet 145, MedGen C2676676, MONDO:0011450, OMIM 604370. Disease mechanism: loss of function.

Submissions (3):

Evidence-based Network for the Interpretation of Germline Mutant Alleles (ENIGMA)
Classification: Pathogenic for Breast-ovarian cancer, familial, susceptibility to, 1. Last evaluated: 2017-12-15. Review status: reviewed by expert panel. Criteria: ENIGMA BRCA1/2 Classification Criteria (2017-06-29). Collection method: curation. Allele origin: germline. Study: ENIGMA.
Comment: Variant allele predicted to encode a truncated non-functional protein.

Ambry Genetics
Classification: Pathogenic for Hereditary cancer-predisposing syndrome. Last evaluated: 2018-04-25. Review status: criteria provided, single submitter. Criteria: Ambry Variant Classification Scheme 2023. Collection method: clinical testing. Allele origin: germline. Not counted in ClinVar's aggregate classification.
Comment: The c.5209_5248del40insTC pathogenic mutation, located in coding exon 18 of the BRCA1 gene, results from the deletion of 40 nucleotides and insertion of two nucleotides causing a translational frameshift with a predicted alternate stop codon (p.R1737Sfs*80). This alteration is expected to result in loss of function by premature protein truncation or nonsense-mediated mRNA decay. As such, this alteration is interpreted as a disease-causing mutation.

Breast Cancer Information Core (BIC) (BRCA1)
Classification: Pathogenic for Breast-ovarian cancer, familial 1. Last evaluated: 2004-11-25. Review status: no assertion criteria provided. Collection method: clinical testing. Allele origin: germline. Affected: yes. Observed: 1 variant allele. Not counted in ClinVar's aggregate classification.

NM_007294.4(BRCA1):c.5209_5248delinsTC (p.Arg1737fs)

Gene: BRCA1 (BRCA1 DNA repair associated; minus strand). Cytogenetic location: 17q21.31.
Variant type: Indel.
Coding change: c.5209_5248delinsTC on transcript NM_007294.4 (MANE Select); coding-DNA positions 5209 to 5248, the reference bases replaced by TC.
Protein change: p.Arg1737fs; shifts the reading frame from arginine 1737.
Molecular consequence: frameshift variant. On other transcripts: non-coding transcript variant (1).
Genome position (GRCh38, 1-based): chr17:43,057,081-43,057,120, 40 bases replaced. GRCh37 (hg19): chr17:41,209,098-41,209,137.
Other names: 5328del40insTC; c.1519_1558del40insTC, p.Arg507Serfs (NM_001408510.1); c.1516_1555del40insTC, p.Arg506Serfs (NM_001408511.1); c.1396_1435del40insTC, p.Arg466Serfs (NM_001408512.1); c.1369_1408del40insTC, p.Arg457Serfs (NM_001408513.1); c.973_1012del40insTC, p.Arg325Serfs (NM_001408514.1); c.5068_5107delinsTC, p.Arg1690fs (NM_007297.4); c.1897_1936del40insTC, p.Arg633Serfs (NM_007298.4, NM_007304.2, NM_001407979.1 and 12 more transcripts); and 76 more; short protein forms R1690fs, R1737fs, R633fs, R1758fs.
Identifiers: ClinVar variation 55459 (VCV000055459.4), dbSNP rs273901753, ClinGen allele CA003359.